The following is an entry in ClinVar:

NM_032782.5(HAVCR2):c.894T>C (p.Phe298=)

Gene: HAVCR2 (hepatitis A virus cellular receptor 2; minus strand). Cytogenetic location: 5q33.3.
Variant type: single nucleotide variant.
Coding change: c.894T>C on transcript NM_032782.5 (MANE Select); coding-DNA position 894, T replaced by C.
Protein change: p.Phe298=; no amino-acid change (phenylalanine 298 retained).
Molecular consequence: synonymous variant.
Genome position (GRCh38, 1-based): chr5:157,087,114, A>G on the plus strand (T>C on the coding strand, the complement: HAVCR2 is on the minus strand). VCF-style: chr5-157087114-A-G. GRCh37 (hg19) VCF-style: chr5-156514125-A-G.
Identifiers: ClinVar variation 2655988 (VCV002655988.25), dbSNP rs146979399, ClinGen allele CA3531757.

ClinVar aggregate classification (germline): Likely benign. Review status: criteria provided, multiple submitters, no conflicts (2 of 4 stars). 2 submissions from 2 submitters: Likely benign (2). Last evaluated 2024-11-13.

Allele frequency attached by ClinVar (database versions not stated): gnomAD exomes 0.00020; gnomAD 0.00027; ExAC 0.00037; TOPMed 0.00039; ESP Exome Variant Server 0.00069.
gnomAD v4.1: 366 of 1,612,798 alleles (0.023%); highest among the groups gnomAD compares: Admixed American, 0.032%; 1 homozygote.

Submissions (2):

Blueprint Genetics
Classification: Likely benign. Last evaluated: 2024-11-13. Review status: criteria provided, single submitter. Criteria: ACMG Guidelines, 2015. Collection method: clinical testing. Allele origin: germline.

CeGaT Center for Human Genetics Tuebingen
Classification: Likely benign. Last evaluated: 2022-07-01. Review status: criteria provided, single submitter. Criteria: CeGaT Center For Human Genetics Tuebingen Variant Classification Criteria Version 2. Collection method: clinical testing. Allele origin: germline. Affected: yes. Observed: 1 variant allele.
Comment: HAVCR2: BP4, BP7